The following is an entry in ClinVar:

ClinVar aggregate classification (germline): Uncertain significance. Review status: criteria provided, multiple submitters, no conflicts (2 of 4 stars). 3 submissions from 3 submitters: Uncertain significance (3). Last evaluated 2024-07-17.

Conditions:
Hereditary pancreatitis (PCTT). Also called: Hereditary chronic pancreatitis; PRSS1-Related Hereditary Pancreatitis. Identifiers: Orphanet 676, MedGen C0238339, MONDO:0008185, OMIM 167800.

gnomAD v4.1: 5 of 1,614,042 alleles (0.00031%); highest among the groups gnomAD compares: Non-Finnish European, 0.00042%; no homozygotes.

Submissions (3):

Ambry Genetics
Classification: Uncertain significance for Hereditary pancreatitis. Last evaluated: 2024-07-17. Review status: criteria provided, single submitter. Criteria: Ambry Variant Classification Scheme 2023. Collection method: clinical testing. Allele origin: germline.
Comment: The p.R254P variant (also known as c.761G>C), located in coding exon 7 of the CTRC gene, results from a G to C substitution at nucleotide position 761. The arginine at codon 254 is replaced by proline, an amino acid with dissimilar properties. This amino acid position is well conserved in available vertebrate species. In addition, this alteration is predicted to be deleterious by in silico analysis. Based on the available evidence, the clinical significance of this variant remains unclear.

Labcorp Genetics (formerly Invitae), Labcorp
Classification: Uncertain significance for Hereditary pancreatitis. Last evaluated: 2022-03-14. Review status: criteria provided, single submitter. Criteria: Invitae Variant Classification Sherloc (09022015). Collection method: clinical testing. Allele origin: germline.
Comment: In summary, the available evidence is currently insufficient to determine the role of this variant in disease. Therefore, it has been classified as a Variant of Uncertain Significance. This variant is not present in population databases (gnomAD no frequency). Advanced modeling of protein sequence and biophysical properties (such as structural, functional, and spatial information, amino acid conservation, physicochemical variation, residue mobility, and thermodynamic stability) performed at Invitae indicates that this missense variant is expected to disrupt CTRC protein function. ClinVar contains an entry for this variant (Variation ID: 827156). This variant has not been reported in the literature in individuals affected with CTRC-related conditions. This sequence change replaces arginine, which is basic and polar, with proline, which is neutral and non-polar, at codon 254 of the CTRC protein (p.Arg254Pro).

Mayo Clinic Laboratories, Mayo Clinic
Classification: Uncertain significance. Last evaluated: 2021-12-21. Review status: criteria provided, single submitter. Criteria: ACMG Guidelines, 2015. Collection method: clinical testing. Allele origin: germline.

NM_007272.3(CTRC):c.761G>C (p.Arg254Pro)

Gene: CTRC (chymotrypsin C; plus strand). Cytogenetic location: 1p36.21.
Variant type: single nucleotide variant.
Coding change: c.761G>C on transcript NM_007272.3 (MANE Select); coding-DNA position 761, G replaced by C.
Protein change: p.Arg254Pro; replaces arginine 254 with proline.
Molecular consequence: missense variant.
Genome position (GRCh38, 1-based): chr1:15,445,718, G>C. VCF-style: chr1-15445718-G-C. GRCh37 (hg19) VCF-style: chr1-15772213-G-C.
Other names: p.Arg254Pro; short protein forms R254P.
Identifiers: ClinVar variation 827156 (VCV000827156.15), dbSNP rs755811899, ClinGen allele CA613464.